The following is an entry in ClinVar:

NM_007294.4(BRCA1):c.3355A>T (p.Thr1119Ser)

Genes: BRCA1 (BRCA1 DNA repair associated; minus strand), LOC126862571 (BRD4-independent group 4 enhancer GRCh37_chr17:41243136-41244335; plus strand). Cytogenetic location: 17q21.31.
Variant type: single nucleotide variant.
Coding change: c.3355A>T on transcript NM_007294.4 (MANE Select); coding-DNA position 3355, A replaced by T.
Protein change: p.Thr1119Ser; replaces threonine 1119 with serine.
Molecular consequence: missense variant. On other transcripts: intron variant (137).
Genome position (GRCh38, 1-based): chr17:43,092,176, T>A on the plus strand (A>T on the coding strand, the complement: BRCA1 is on the minus strand). VCF-style: chr17-43092176-T-A. GRCh37 (hg19) VCF-style: chr17-41244193-T-A.
Other names: c.3214A>T, p.Thr1072Ser (NM_001407850.1, NM_001407851.1, NM_001407852.1 and 29 more transcripts); c.3142A>T, p.Thr1048Ser (NM_001407853.1, NM_001407894.1, NM_001407895.1 and 9 more transcripts); c.3355A>T, p.Thr1119Ser (NM_001407854.1, NM_001407858.1, NM_001407859.1 and 30 more transcripts); c.3352A>T, p.Thr1118Ser (NM_001407860.1, NM_001407861.1, NM_001407587.1 and 22 more transcripts); c.3154A>T, p.Thr1052Ser (NM_001407862.1); c.3232A>T, p.Thr1078Ser (NM_001407863.1, NM_001407919.1, NM_001407937.1 and 19 more transcripts); c.3151A>T, p.Thr1051Ser (NM_001407874.1, NM_001407875.1); c.3145A>T, p.Thr1049Ser (NM_001407879.1, NM_001407881.1, NM_001407882.1 and 13 more transcripts); and 41 more; short protein forms T1119S, T1072S, T1078S, T951S, T1031S, T1077S, T1093S, T1116S.
Identifiers: ClinVar variation 54855 (VCV000054855.26), dbSNP rs80356949, ClinGen allele CA002176.

ClinVar aggregate classification (germline): Conflicting classifications of pathogenicity. Review status: criteria provided, conflicting classifications (1 of 4 stars). 8 submissions from 8 submitters: Uncertain significance (5); Likely benign (2). 1 of the submissions does not count toward it. Last evaluated 2026-04-03.

Conditions:
Hereditary cancer-predisposing syndrome. Also called: Tumor predisposition; Neoplastic Syndromes, Hereditary; Hereditary Cancer Syndrome; Hereditary neoplastic syndrome. Identifiers: Orphanet 140162, MedGen C0027672, MeSH D009386, MONDO:0015356.
Hereditary breast ovarian cancer syndrome. Also called: Hereditary breast and ovarian cancer syndrome (HBOC); Hereditary breast and ovarian cancer syndrome; Hereditary breast and ovarian cancer; Hereditary breast and/or ovarian cancer syndrome; Breast and ovarian cancer; BRCA1- and BRCA2-Associated Hereditary Breast and Ovarian Cancer. Identifiers: Orphanet 145, MedGen C0677776, MeSH D061325, MONDO:0003582. Disease mechanism: loss of function.
Breast-ovarian cancer, familial, susceptibility to, 1 (BROVCA1). Also called: OVARIAN CANCER, SUSCEPTIBILITY TO; BRCA1 Hereditary Breast and Ovarian Cancer. Identifiers: Orphanet 145, MedGen C2676676, MONDO:0011450, OMIM 604370. Disease mechanism: loss of function.

Allele frequency attached by ClinVar (database versions not stated): gnomAD exomes below 0.00001 and 0.00001; TOPMed below 0.00001; ExAC 0.00001; gnomAD 0.00003; ESP Exome Variant Server 0.00008.
gnomAD v4.1: 20 of 1,613,288 alleles (0.0012%); highest among the groups gnomAD compares: Non-Finnish European, 0.0016%; no homozygotes.

Submissions (8):

Women's Health and Genetics/Laboratory Corporation of America, LabCorp
Classification: Uncertain significance. Last evaluated: 2026-04-03. Review status: criteria provided, single submitter. Criteria: LabCorp Variant Classification Summary - May 2015. Collection method: clinical testing. Allele origin: germline.
Comment: Variant summary: BRCA1 c.3355A>T (p.Thr1119Ser) results in a conservative amino acid change in the encoded protein sequence. Algorithms developed to predict the effect of missense changes on protein structure and function all suggest that this variant is likely to be tolerated. The variant allele was found at a frequency of 4e-06 in 250290 control chromosomes (gnomAD). The available data on variant occurrences in the general population are insufficient to allow any conclusion about variant significance. c.3355A>T has been observed in individuals affected with breast cancer or pancreatic cancer without strong evidence of causality (e.g. Dorling_2021, Yin_2022). These reports do not provide unequivocal conclusions about association of the variant with Hereditary Breast And Ovarian Cancer Syndrome. To our knowledge, no experimental evidence demonstrating an impact on protein function has been reported. The following publications have been ascertained in the context of this evaluation (PMID: 33471991, 35171259). ClinVar contains an entry for this variant (Variation ID: 54855). Based on the evidence outlined above, the variant was classified as uncertain significance.

Labcorp Genetics (formerly Invitae), Labcorp
Classification: Uncertain significance for Hereditary breast ovarian cancer syndrome. Last evaluated: 2025-11-19. Review status: criteria provided, single submitter. Criteria: Invitae Variant Classification Sherloc (09022015). Collection method: clinical testing. Allele origin: germline.
Comment: This sequence change replaces threonine, which is neutral and polar, with serine, which is neutral and polar, at codon 1119 of the BRCA1 protein (p.Thr1119Ser). This variant is present in population databases (rs80356949, gnomAD 0.0009%). This missense change has been observed in individual(s) with pancreatic cancer (PMID: 35171259). ClinVar contains an entry for this variant (Variation ID: 54855). Invitae Evidence Modeling of protein sequence and biophysical properties (such as structural, functional, and spatial information, amino acid conservation, physicochemical variation, residue mobility, and thermodynamic stability) indicates that this missense variant is not expected to disrupt BRCA1 protein function with a negative predictive value of 80%. In summary, the available evidence is currently insufficient to determine the role of this variant in disease. Therefore, it has been classified as a Variant of Uncertain Significance.

Ambry Genetics
Classification: Uncertain significance for Hereditary cancer-predisposing syndrome. Last evaluated: 2023-12-29. Review status: criteria provided, single submitter. Criteria: Ambry Variant Classification Scheme 2023. Collection method: clinical testing. Allele origin: germline.
Comment: The p.T1119S variant (also known as c.3355A>T), located in coding exon 9 of the BRCA1 gene, results from an A to T substitution at nucleotide position 3355. The threonine at codon 1119 is replaced by serine, an amino acid with similar properties. This alteration has been detected in two individuals with a personal and/or family history of breast and/or ovarian cancer (Judkins T et al. Cancer Res. 2005 Nov 1;65(21):10096-103 and Brianese R et al. Breast Cancer Res Treat. 2018 Feb;167(3):803-814). This amino acid position is poorly conserved in available vertebrate species. In addition, this alteration is predicted to be tolerated by in silico analysis. Since supporting evidence is limited at this time, the clinical significance of this alteration remains unclear.

University of Washington Department of Laboratory Medicine, University of Washington
Classification: Likely benign for Hereditary cancer-predisposing syndrome. Last evaluated: 2023-03-23. Review status: criteria provided, single submitter. Criteria: Dines et al. (Genet Med. 2020). Collection method: curation. Allele origin: germline.
Comment: Missense variant in a coldspot region where missense variants are very unlikely to be pathogenic (PMID:31911673).

BRCA1 coldspot (exon 11 using historical exon numbering). Reclassification based on statistical prior probability

Quest Diagnostics Nichols Institute San Juan Capistrano
Classification: Uncertain significance. Last evaluated: 2022-09-15. Review status: criteria provided, single submitter. Criteria: Quest Diagnostics criteria. Collection method: clinical testing. Allele origin: unknown.
Comment: The frequency of this variant in the general population, 0.000004 (1/250290 chromosomes), is uninformative in assessment of its pathogenicity. In the published literature, the variant has been reported with other pathogenic BRCA1/BRCA2 variants in individuals who were affected or suspected of having a BRCA related disease (BIC and PMID: 16267036 (2005)). In a large breast cancer association study, the variant was reported in one individual with breast cancer (PMID: 33471991 (2021)). Analysis of this variant using bioinformatics tools for the prediction of the effect of amino acid changes on protein structure and function yielded predictions that this variant is benign. Based on the available information, we are unable to determine the clinical significance of this variant.

GeneDx
Classification: Uncertain significance. Last evaluated: 2020-08-17. Review status: criteria provided, single submitter. Criteria: GeneDx Variant Classification Process June 2021. Collection method: clinical testing. Allele origin: germline. Affected: yes.
Comment: Not observed at a significant frequency in large population cohorts (Lek 2016); In silico analysis supports that this missense variant does not alter protein structure/function; This variant is associated with the following publications: (PMID: 16267036, 31131967)

Color Diagnostics, LLC DBA Color Health
Classification: Likely benign for Hereditary cancer-predisposing syndrome. Last evaluated: 2016-09-27. Review status: criteria provided, single submitter. Criteria: ACMG Guidelines, 2015. Collection method: clinical testing. Allele origin: germline.

Breast Cancer Information Core (BIC) (BRCA1)
Classification: Uncertain significance for Breast-ovarian cancer, familial 1. Last evaluated: 2003-12-23. Review status: no assertion criteria provided. Collection method: clinical testing. Allele origin: germline. Affected: yes. Observed: 2 variant alleles. Not counted in ClinVar's aggregate classification.

Literature cited by the submitters: PubMed 33471991 (cited by Women's Health and Genetics/Laboratory Corporation of America, LabCorp and Quest Diagnostics Nichols Institute San Juan Capistrano); PubMed 35171259 (cited by Women's Health and Genetics/Laboratory Corporation of America, LabCorp and Labcorp Genetics (formerly Invitae), Labcorp); PubMed 16267036 (cited by Quest Diagnostics Nichols Institute San Juan Capistrano).